The following is an entry in ClinVar:

NM_212482.4(FN1):c.218C>T (p.Ala73Val)

Gene: FN1 (fibronectin 1; minus strand). Cytogenetic location: 2q35.
Variant type: single nucleotide variant.
Coding change: c.218C>T on transcript NM_212482.4 (MANE Select); coding-DNA position 218, C replaced by T.
Protein change: p.Ala73Val; replaces alanine 73 with valine.
Molecular consequence: missense variant.
Genome position (GRCh38, 1-based): chr2:215,434,755, G>A on the plus strand (C>T on the coding strand, the complement: FN1 is on the minus strand). VCF-style: chr2-215434755-G-A. GRCh37 (hg19) VCF-style: chr2-216299478-G-A.
Other names: c.218C>T, p.Ala73Val (NM_001306129.2, NM_001306130.2, NM_001306131.2 and 14 more transcripts); short protein forms A73V.
Identifiers: ClinVar variation 2719258 (VCV002719258.3), dbSNP rs746000539, ClinGen allele CA2095647.

ClinVar aggregate classification (germline): Uncertain significance (1 of 4 stars; one submission).

Allele frequency attached by ClinVar (database versions not stated): gnomAD exomes below 0.00001; ExAC 0.00001; gnomAD 0.00001.
gnomAD v4.1: 4 of 1,613,884 alleles (0.00025%); highest among the groups gnomAD compares: Admixed American, 0.0033%; no homozygotes.

Submission:

Labcorp Genetics (formerly Invitae), Labcorp
Classification: Uncertain significance. Last evaluated: 2023-03-16. Review status: criteria provided, single submitter. Criteria: Invitae Variant Classification Sherloc (09022015). Collection method: clinical testing. Allele origin: germline.
Comment: This sequence change replaces alanine, which is neutral and non-polar, with valine, which is neutral and non-polar, at codon 73 of the FN1 protein (p.Ala73Val). This variant is present in population databases (rs746000539, gnomAD 0.003%). This variant has not been reported in the literature in individuals affected with FN1-related conditions. Advanced modeling of protein sequence and biophysical properties (such as structural, functional, and spatial information, amino acid conservation, physicochemical variation, residue mobility, and thermodynamic stability) performed at Invitae indicates that this missense variant is not expected to disrupt FN1 protein function. In summary, the available evidence is currently insufficient to determine the role of this variant in disease. Therefore, it has been classified as a Variant of Uncertain Significance.